The following is an entry in ClinVar:

ClinVar aggregate classification (germline): Uncertain significance (1 of 4 stars; one submission).

Conditions:
Jeune thoracic dystrophy. Also called: Jeune syndrome; Infantile thoracic dystrophy; Thoracic pelvic phalangeal dystrophy; Jeune's syndrome; Chondroectodermal dysplasia-like syndrome; Short-rib thoracic dysplasia. Identifiers: Orphanet 474, MedGen C0265275, MONDO:0018770.

Allele frequency attached by ClinVar (database versions not stated): gnomAD exomes below 0.00001.
gnomAD v4.1: 1 of 1,550,938 alleles (0.000064%); highest among the groups gnomAD compares: East Asian, 0.0025%; no homozygotes.

Submission:

Labcorp Genetics (formerly Invitae), Labcorp
Classification: Uncertain significance for Jeune thoracic dystrophy. Last evaluated: 2018-01-04. Review status: criteria provided, single submitter. Criteria: Invitae Variant Classification Sherloc (09022015). Collection method: clinical testing. Allele origin: germline.
Comment: This sequence change replaces glycine with glutamic acid at codon 1800 of the DYNC2H1 protein (p.Gly1800Glu). The glycine residue is highly conserved and there is a moderate physicochemical difference between glycine and glutamic acid. This variant is not present in population databases (ExAC no frequency). This variant has not been reported in the literature in individuals with DYNC2H1-related disease. Algorithms developed to predict the effect of missense changes on protein structure and function (SIFT, PolyPhen-2, Align-GVGD) all suggest that this variant is likely to be disruptive, but these predictions have not been confirmed by published functional studies and their clinical significance is uncertain. In summary, the available evidence is currently insufficient to determine the role of this variant in disease. Therefore, it has been classified as a Variant of Uncertain Significance.

NM_001377.3(DYNC2H1):c.5399G>A (p.Gly1800Glu)

Gene: DYNC2H1 (dynein cytoplasmic 2 heavy chain 1; plus strand). Cytogenetic location: 11q22.3.
Variant type: single nucleotide variant.
Coding change: c.5399G>A on transcript NM_001377.3 (MANE Select); coding-DNA position 5399, G replaced by A.
Protein change: p.Gly1800Glu; replaces glycine 1800 with glutamic acid.
Molecular consequence: missense variant.
Genome position (GRCh38, 1-based): chr11:103,173,146, G>A. VCF-style: chr11-103173146-G-A. GRCh37 (hg19) VCF-style: chr11-103043875-G-A.
Other names: c.5399G>A, p.Gly1800Glu (NM_001080463.2); short protein forms G1800E.
Identifiers: ClinVar variation 528901 (VCV000528901.1), dbSNP rs1555056136, ClinGen allele CA382242724.